The following is an entry in ClinVar:

NM_002080.4(GOT2):c.264C>T (p.Ala88=)

Gene: GOT2 (glutamic-oxaloacetic transaminase 2; minus strand). Cytogenetic location: 16q21.
Variant type: single nucleotide variant.
Coding change: c.264C>T on transcript NM_002080.4 (MANE Select); coding-DNA position 264, C replaced by T.
Protein change: p.Ala88=; no amino-acid change (alanine 88 retained).
Molecular consequence: synonymous variant. On other transcripts: intron variant (1).
Genome position (GRCh38, 1-based): chr16:58,722,261, G>A on the plus strand (C>T on the coding strand, the complement: GOT2 is on the minus strand). VCF-style: chr16-58722261-G-A. GRCh37 (hg19) VCF-style: chr16-58756165-G-A.
Other names: c.246+1485C>T (NM_001286220.2).
Identifiers: ClinVar variation 2646583 (VCV002646583.26), dbSNP rs141424983, ClinGen allele CA8091098.

ClinVar aggregate classification (germline): Likely benign. Review status: criteria provided, multiple submitters, no conflicts (2 of 4 stars). 2 submissions from 2 submitters: Likely benign (2). Last evaluated 2025-09-24.

Allele frequency attached by ClinVar (database versions not stated): gnomAD exomes 0.00011; TOPMed 0.00014; gnomAD 0.00017; 1000 Genomes Project 0.00020; ExAC 0.00021; ESP Exome Variant Server 0.00023; 1000 Genomes Project 30x 0.00031.
gnomAD v4.1: 200 of 1,613,548 alleles (0.012%); highest among the groups gnomAD compares: Middle Eastern, 0.034%; no homozygotes.

Submissions (2):

Labcorp Genetics (formerly Invitae), Labcorp
Classification: Likely benign. Last evaluated: 2025-09-24. Review status: criteria provided, single submitter. Criteria: Invitae Variant Classification Sherloc (09022015). Collection method: clinical testing. Allele origin: germline.

CeGaT Center for Human Genetics Tuebingen
Classification: Likely benign. Last evaluated: 2022-03-01. Review status: criteria provided, single submitter. Criteria: CeGaT Center For Human Genetics Tuebingen Variant Classification Criteria Version 2. Collection method: clinical testing. Allele origin: germline. Affected: yes. Observed: 1 variant allele.
Comment: GOT2: BP4, BP7